The following is an entry in ClinVar:

NM_001457.4(FLNB):c.6026G>A (p.Gly2009Asp)

Gene: FLNB (filamin B; plus strand). Cytogenetic location: 3p14.3.
Variant type: single nucleotide variant.
Coding change: c.6026G>A on transcript NM_001457.4 (MANE Select); coding-DNA position 6026, G replaced by A.
Protein change: p.Gly2009Asp; replaces glycine 2009 with aspartic acid.
Molecular consequence: missense variant.
Genome position (GRCh38, 1-based): chr3:58,148,787, G>A. VCF-style: chr3-58148787-G-A. GRCh37 (hg19) VCF-style: chr3-58134514-G-A.
Other names: c.6119G>A, p.Gly2040Asp (NM_001164317.2); c.5993G>A, p.Gly1998Asp (NM_001164318.2); c.5954G>A, p.Gly1985Asp (NM_001164319.2); short protein forms G1985D, G1998D, G2009D, G2040D.
Identifiers: ClinVar variation 2133920 (VCV002133920.4), dbSNP rs2471206738, ClinGen allele CA353356414.

ClinVar aggregate classification (germline): Uncertain significance (1 of 4 stars; one submission).

Submission:

Labcorp Genetics (formerly Invitae), Labcorp
Classification: Uncertain significance. Last evaluated: 2025-05-06. Review status: criteria provided, single submitter. Criteria: Invitae Variant Classification Sherloc (09022015). Collection method: clinical testing. Allele origin: germline.
Comment: This sequence change replaces glycine, which is neutral and non-polar, with aspartic acid, which is acidic and polar, at codon 2009 of the FLNB protein (p.Gly2009Asp). This variant is not present in population databases (gnomAD no frequency). This variant has not been reported in the literature in individuals affected with FLNB-related conditions. ClinVar contains an entry for this variant (Variation ID: 2133920). Invitae Evidence Modeling of protein sequence and biophysical properties (such as structural, functional, and spatial information, amino acid conservation, physicochemical variation, residue mobility, and thermodynamic stability) has been performed for this missense variant. However, the output from this modeling did not meet the statistical confidence thresholds required to predict the impact of this variant on FLNB protein function. In summary, the available evidence is currently insufficient to determine the role of this variant in disease. Therefore, it has been classified as a Variant of Uncertain Significance.